The following is an entry in ClinVar:

NM_017654.4(SAMD9):c.3878G>A (p.Arg1293Gln)

Gene: SAMD9 (sterile alpha motif domain containing 9; minus strand). Cytogenetic location: 7q21.2.
Variant type: single nucleotide variant.
Coding change: c.3878G>A on transcript NM_017654.4 (MANE Select); coding-DNA position 3878, G replaced by A.
Protein change: p.Arg1293Gln; replaces arginine 1293 with glutamine.
Molecular consequence: missense variant.
Genome position (GRCh38, 1-based): chr7:93,102,220, C>T on the plus strand (G>A on the coding strand, the complement: SAMD9 is on the minus strand). VCF-style: chr7-93102220-C-T. GRCh37 (hg19) VCF-style: chr7-92731533-C-T.
Other names: c.3878G>A, p.Arg1293Gln (NM_001193307.2); c.3878G>A (NM_017654.3); short protein forms R1293Q.
Identifiers: ClinVar variation 992633 (VCV000992633.7), dbSNP rs1791543423, ClinGen allele CA368182011.

ClinVar aggregate classification (germline): Pathogenic/Likely pathogenic. Review status: criteria provided, multiple submitters, no conflicts (2 of 4 stars). 4 submissions from 4 submitters: Pathogenic (1); Likely pathogenic (2). 1 of the submissions does not count toward it. Last evaluated 2022-10-08.

Conditions:
MIRAGE syndrome. Also called: MYELODYSPLASIA, INFECTION, RESTRICTION OF GROWTH, ADRENAL HYPOPLASIA, GENITAL PHENOTYPES, AND ENTEROPATHY. Identifiers: Orphanet 494433, MedGen C4284088, MONDO:0014888, OMIM 617053.
SAMD9-related disorder. Also called: SAMD9-related condition.

Submissions (4):

PreventionGenetics, part of Exact Sciences
Classification: Pathogenic for SAMD9-related condition. Last evaluated: 2022-10-08. Review status: criteria provided, single submitter. Criteria: ACMG Guidelines, 2015. Collection method: clinical testing. Allele origin: germline.
Comment: The SAMD9 c.3878G>A variant is predicted to result in the amino acid substitution p.Arg1293Gln. Functional studies using protein expression in cell culture indicate that p.Arg1293Gln causes a gain of function in the growth suppression activity of the protein (Buonocore et al. 2017. PubMed ID: 28346228). This variant has not been reported in a large population database, indicating this variant is rare. Given the evidence, we interpret c.3878G>A (p.Arg1293Gln) as pathogenic.

Blueprint Genetics
Classification: Likely pathogenic for SAMD9-related disorders. Last evaluated: 2021-02-15. Review status: criteria provided, single submitter. Criteria: ACMG Guidelines, 2015. Collection method: clinical testing. Allele origin: de novo. Affected: yes. Observed: 1 variant allele.

Juno Genomics, Hangzhou Juno Genomics, Inc
Classification: Likely pathogenic for MIRAGE syndrome. Review status: criteria provided, single submitter. Criteria: ACMG Guidelines, 2015. Collection method: clinical testing. Allele origin: germline. Affected: yes.
Comment: Absent from controls (or at extremely low frequency if recessive) in Genome Aggregation Database.;De novo (both maternity and paternity confirmed) in a patient with the disease and no family history.;The prevalence of the variant in affected individuals is significantly increased compared to the prevalence in controls.;Patient's phenotype or family history is highly specific for a disease with a single genetic etiology.;Well-established in vitro or in vivo functional studies supportive of a damaging effect on the gene or gene product.;Novel missense change at an amino acid residue where a different missense change determined to be pathogenic has been seen before.

GeneReviews
No classification provided. Condition: MIRAGE syndrome. Review status: no classification provided. Collection method: literature only. Allele origin: de novo. Not counted in ClinVar's aggregate classification.

Literature cited by the submitters: PubMed 28346228 (cited by GeneReviews); PubMed 29266745 (cited by GeneReviews); PubMed 32106287 (cited by GeneReviews); PubMed 33237688 (cited by GeneReviews).